The following is an entry in ClinVar:

ClinVar aggregate classification (germline): Uncertain significance (1 of 4 stars; one submission).

Submission:

GeneDx
Classification: Uncertain significance. Last evaluated: 2025-08-08. Review status: criteria provided, single submitter. Criteria: GeneDx Variant Classification Process June 2021. Collection method: clinical testing. Allele origin: germline. Affected: yes.
Comment: Not observed at significant frequency in large population cohorts (gnomAD); In silico analysis supports that this missense variant has a deleterious effect on protein structure/function; Has not been previously published as pathogenic or benign to our knowledge

NM_000104.4(CYP1B1):c.893T>A (p.Leu298His)

Gene: CYP1B1 (cytochrome P450 family 1 subfamily B member 1; minus strand). Cytogenetic location: 2p22.2.
Variant type: single nucleotide variant.
Coding change: c.893T>A on transcript NM_000104.4 (MANE Select); coding-DNA position 893, T replaced by A.
Protein change: p.Leu298His; replaces leucine 298 with histidine.
Molecular consequence: missense variant.
Genome position (GRCh38, 1-based): chr2:38,074,496, A>T on the plus strand (T>A on the coding strand, the complement: CYP1B1 is on the minus strand). VCF-style: chr2-38074496-A-T. GRCh37 (hg19) VCF-style: chr2-38301639-A-T.
Other names: short protein forms L298H.
Identifiers: ClinVar variation 4755681 (VCV004755681.1).